The following is an entry in ClinVar:

ClinVar aggregate classification (germline): Likely benign (0 of 4 stars; one submission).

Conditions:
TEX14-related disorder. Also called: TEX14-related condition.

Allele frequency attached by ClinVar (database versions not stated): gnomAD 0.00002; ExAC 0.00003; ESP Exome Variant Server 0.00008.
gnomAD v4.1: 29 of 1,371,726 alleles (0.0021%); highest among the groups gnomAD compares: Admixed American, 0.036%; no homozygotes.

Submission:

PreventionGenetics, part of Exact Sciences
Classification: Likely benign for TEX14-related condition. Last evaluated: 2019-06-25. Review status: no assertion criteria provided. Collection method: clinical testing. Allele origin: germline.
Comment: This variant is classified as likely benign based on ACMG/AMP sequence variant interpretation guidelines (Richards et al. 2015 PMID: 25741868, with internal and published modifications).

NM_031272.5(TEX14):c.4158-10G>A

Gene: TEX14 (testis expressed 14, intercellular bridge forming factor; minus strand). Cytogenetic location: 17q22.
Variant type: single nucleotide variant.
Coding change: c.4158-10G>A on transcript NM_031272.5 (MANE Select); 10 bases into the intron before coding-DNA position 4158, G replaced by A.
Molecular consequence: intron variant.
Genome position (GRCh38, 1-based): chr17:58,559,572, C>T on the plus strand (G>A on the coding strand, the complement: TEX14 is on the minus strand). VCF-style: chr17-58559572-C-T. GRCh37 (hg19) VCF-style: chr17-56636933-C-T.
Other names: c.4278-10G>A (NM_198393.4); c.4296-10G>A (NM_001201457.2).
Identifiers: ClinVar variation 3043470 (VCV003043470.2), dbSNP rs370136626, ClinGen allele CA8675502.
Genomic context (GRCh38, chr17:58,559,572, plus strand): 5'-TCCCTTTTTCTTTTCTCTTCACCAACTTTTTGATCTTTGATATTTGTCTCCCTGTAACAA[C>T]AATTATTTGGGGAATCAAAACGTATACACAACAGCCAAGAAAACAGGACTGTACTCAAAA-3'